The following is an entry in ClinVar:

NM_001927.4(DES):c.262_263inv (p.Leu88Arg)

Gene: DES (desmin; plus strand). Cytogenetic location: 2q35.
Variant type: Inversion.
Coding change: c.262_263inv on transcript NM_001927.4 (MANE Select).
Protein change: p.Leu88Arg; replaces leucine 88 with arginine.
Molecular consequence: missense variant.
Genome position: GRCh38 VCF-style: chr2-219418724-CT-AG. GRCh37 (hg19) VCF-style: chr2-220283446-CT-AG.
Other names: c.262_263delCTinsAG (LRG_380t1); short protein forms L88R.
Identifiers: ClinVar variation 432586 (VCV000432586.2), ClinGen allele CA645372707.

ClinVar aggregate classification (germline): Uncertain significance (1 of 4 stars; one submission).

Submission:

GeneDx
Classification: Uncertain significance. Last evaluated: 2017-06-07. Review status: criteria provided, single submitter. Criteria: GeneDx Variant Classification (06012015). Collection method: clinical testing. Allele origin: germline. Affected: yes.
Comment: A variant of uncertain significance has been identified in the DES gene. The c.262_263delCTinsAG variant has not been published as pathogenic or been reported as benign to our knowledge. This variant is not observed in large population cohorts (Lek et al., 2016; 1000 Genomes Consortium et al., 2015; Exome Variant Server). The c.262_263delCTinsAG variant results in a non-conservative amino acid substitution of leucine residue with an arginine residue (L88R), which is likely to impact secondary protein structure as these residues differ in polarity, charge, size and/or other properties. However, this substitution occurs at a position that is only conserved through mammals and in silico analysis is inconsistent in its predictions as to whether or not the variant is damaging to the protein structure/function.